The following is an entry in ClinVar:

NM_030930.4(UNC93B1):c.1726G>C (p.Ala576Pro)

Gene: UNC93B1 (unc-93B1 regulator of TLR signaling; minus strand). Cytogenetic location: 11q13.2.
Variant type: single nucleotide variant.
Coding change: c.1726G>C on transcript NM_030930.4 (MANE Select); coding-DNA position 1726, G replaced by C.
Protein change: p.Ala576Pro; replaces alanine 576 with proline.
Molecular consequence: missense variant.
Genome position (GRCh38, 1-based): chr11:67,991,614, C>G on the plus strand (G>C on the coding strand, the complement: UNC93B1 is on the minus strand). VCF-style: chr11-67991614-C-G. GRCh37 (hg19) VCF-style: chr11-67759085-C-G.
Other names: short protein forms A576P.
Identifiers: ClinVar variation 663159 (VCV000663159.7), dbSNP rs1330076422, ClinGen allele CA381566883.

ClinVar aggregate classification (germline): Uncertain significance (1 of 4 stars; one submission).

Conditions:
Encephalopathy, acute, infection-induced (herpes-specific), susceptibility to, 1. Also called: Herpes simplex encephalitis, susceptibility to, 1. Identifiers: Orphanet 1930, MedGen C2750180, MONDO:0024563, OMIM 610551.

Allele frequency attached by ClinVar (database versions not stated): gnomAD exomes 0.00003 and 0.00004; gnomAD 0.00002; TOPMed 0.00001.
gnomAD v4.1: 49 of 1,499,878 alleles (0.0033%); highest among the groups gnomAD compares: Non-Finnish European, 0.004%; no homozygotes.

Submission:

Labcorp Genetics (formerly Invitae), Labcorp
Classification: Uncertain significance for Encephalopathy, acute, infection-induced (herpes-specific), susceptibility to, 1. Last evaluated: 2026-01-19. Review status: criteria provided, single submitter. Criteria: Invitae Variant Classification Sherloc (09022015). Collection method: clinical testing. Allele origin: germline.
Comment: This sequence change replaces alanine, which is neutral and non-polar, with proline, which is neutral and non-polar, at codon 576 of the UNC93B1 protein (p.Ala576Pro). This variant is present in population databases (no rsID available, gnomAD 0.01%). This variant has not been reported in the literature in individuals affected with UNC93B1-related conditions. ClinVar contains an entry for this variant (Variation ID: 663159). Experimental studies and prediction algorithms are not available or were not evaluated, and the functional significance of this variant is currently unknown. In summary, the available evidence is currently insufficient to determine the role of this variant in disease. Therefore, it has been classified as a Variant of Uncertain Significance.